The following is an entry in ClinVar:

NM_005208.5(CRYBA1):c.97-8C>T

Gene: CRYBA1 (crystallin beta A1; plus strand). Cytogenetic location: 17q11.2.
Variant type: single nucleotide variant.
Coding change: c.97-8C>T on transcript NM_005208.5 (MANE Select); 8 bases into the intron before coding-DNA position 97, C replaced by T.
Molecular consequence: intron variant.
Genome position (GRCh38, 1-based): chr17:29,250,174, C>T. VCF-style: chr17-29250174-C-T. GRCh37 (hg19) VCF-style: chr17-27577192-C-T.
Identifiers: ClinVar variation 682483 (VCV000682483.10), dbSNP rs376499974, ClinGen allele CA8473677.

ClinVar aggregate classification (germline): Benign/Likely benign. Review status: criteria provided, multiple submitters, no conflicts (2 of 4 stars). 4 submissions from 4 submitters: Benign (2); Likely benign (2). Last evaluated 2025-12-21.

Conditions:
Cataract 10 multiple types. Also called: CATARACT 10, CONGENITAL ZONULAR, WITH SUTURAL OPACITIES. Identifiers: Orphanet 91492, MedGen C1833229, MONDO:0010948, OMIM 600881.

Allele frequency attached by ClinVar (database versions not stated): TOPMed 0.00020; ESP Exome Variant Server 0.00023; gnomAD 0.00134.
gnomAD v4.1: 436 of 1,478,236 alleles (0.029%); highest among the groups gnomAD compares: Non-Finnish European, 0.037%; 2 homozygotes.

Submissions (4):

Labcorp Genetics (formerly Invitae), Labcorp
Classification: Benign for Cataract 10 multiple types. Last evaluated: 2025-12-21. Review status: criteria provided, single submitter. Criteria: Invitae Variant Classification Sherloc (09022015). Collection method: clinical testing. Allele origin: germline.

Laboratory of Genetics, Children's Clinical University Hospital Latvia
Classification: Benign. Last evaluated: 2025-02-16. Review status: criteria provided, single submitter. Criteria: ACMG Guidelines, 2015. Collection method: clinical testing. Allele origin: germline. Affected: yes.

Blueprint Genetics
Classification: Likely benign. Last evaluated: 2024-11-15. Review status: criteria provided, single submitter. Criteria: ACMG Guidelines, 2015. Collection method: clinical testing. Allele origin: germline.

GeneDx
Classification: Likely benign. Last evaluated: 2018-05-01. Review status: criteria provided, single submitter. Criteria: GeneDx Variant Classification (06012015). Collection method: clinical testing. Allele origin: germline. Affected: yes.
Comment: This variant is considered likely benign or benign based on one or more of the following criteria: it is a conservative change, it occurs at a poorly conserved position in the protein, it is predicted to be benign by multiple in silico algorithms, and/or has population frequency not consistent with disease.